The following is an entry in ClinVar:

NM_001278064.2(GRM1):c.2123T>G (p.Ile708Ser)

Gene: GRM1 (glutamate metabotropic receptor 1; plus strand). Cytogenetic location: 6q24.3.
Variant type: single nucleotide variant.
Coding change: c.2123T>G on transcript NM_001278064.2 (MANE Select); coding-DNA position 2123, T replaced by G.
Protein change: p.Ile708Ser; replaces isoleucine 708 with serine.
Molecular consequence: missense variant.
Genome position (GRCh38, 1-based): chr6:146,399,162, T>G. VCF-style: chr6-146399162-T-G. GRCh37 (hg19) VCF-style: chr6-146720298-T-G.
Other names: c.2123T>G, p.Ile708Ser (NM_001278065.2, NM_001278066.1, NM_001278067.1); short protein forms I708S.
Identifiers: ClinVar variation 3716696 (VCV003716696.1).
Genomic context (GRCh38, chr6:146,399,162, plus strand): 5'-GCAGCAAGAAGAAGATCTGCACCCGGAAGCCCAGGTTCATGAGTGCCTGGGCTCAGGTGA[T>G]CATTGCCTCAATTCTGATTAGTGTGCAACTAACCCTGGTGGTAACCCTGATCATCATGGA-3'
Protein context (NP_001264993.1, residues 698-718): PRFMSAWAQV[Ile708Ser]IASILISVQL

ClinVar aggregate classification (germline): Uncertain significance (1 of 4 stars; one submission).

gnomAD v4.1: 5 of 1,614,022 alleles (0.00031%); highest among the groups gnomAD compares: Admixed American, 0.005%; no homozygotes.

Submission:

Labcorp Genetics (formerly Invitae), Labcorp
Classification: Uncertain significance. Last evaluated: 2024-03-19. Review status: criteria provided, single submitter. Criteria: Invitae Variant Classification Sherloc (09022015). Collection method: clinical testing. Allele origin: germline.
Comment: This sequence change replaces isoleucine, which is neutral and non-polar, with serine, which is neutral and polar, at codon 708 of the GRM1 protein (p.Ile708Ser). This variant is not present in population databases (gnomAD no frequency). This variant has not been reported in the literature in individuals affected with GRM1-related conditions. An algorithm developed to predict the effect of missense changes on protein structure and function (PolyPhen-2) suggests that this variant is likely to be disruptive. Algorithms developed to predict the effect of sequence changes on RNA splicing suggest that this variant may create or strengthen a splice site. In summary, the available evidence is currently insufficient to determine the role of this variant in disease. Therefore, it has been classified as a Variant of Uncertain Significance.